The following is an entry in ClinVar:

ClinVar aggregate classification (germline): Uncertain significance (1 of 4 stars; one submission).

Allele frequency attached by ClinVar (database versions not stated): TOPMed 0.00001; ExAC 0.00002.
gnomAD v4.1: 4 of 1,597,498 alleles (0.00025%); highest among the groups gnomAD compares: Non-Finnish European, 0.00026%; no homozygotes.

Submission:

Labcorp Genetics (formerly Invitae), Labcorp
Classification: Uncertain significance. Last evaluated: 2022-02-18. Review status: criteria provided, single submitter. Criteria: Invitae Variant Classification Sherloc (09022015). Collection method: clinical testing. Allele origin: germline.
Comment: In summary, the available evidence is currently insufficient to determine the role of this variant in disease. Therefore, it has been classified as a Variant of Uncertain Significance. This variant has not been reported in the literature in individuals affected with FSCN2-related conditions. This sequence change replaces leucine, which is neutral and non-polar, with phenylalanine, which is neutral and non-polar, at codon 238 of the FSCN2 protein (p.Leu238Phe). This variant is present in population databases (rs781855403, gnomAD 0.002%). Algorithms developed to predict the effect of missense changes on protein structure and function are either unavailable or do not agree on the potential impact of this missense change (SIFT: "Deleterious"; PolyPhen-2: "Probably Damaging"; Align-GVGD: "Class C0").

NM_012418.4(FSCN2):c.712C>T (p.Leu238Phe)

Gene: FSCN2 (fascin actin-bundling protein 2, retinal; plus strand). Cytogenetic location: 17q25.3.
Variant type: single nucleotide variant.
Coding change: c.712C>T on transcript NM_012418.4 (MANE Select); coding-DNA position 712, C replaced by T.
Protein change: p.Leu238Phe; replaces leucine 238 with phenylalanine.
Molecular consequence: missense variant.
Genome position (GRCh38, 1-based): chr17:81,529,243, C>T. VCF-style: chr17-81529243-C-T. GRCh37 (hg19) VCF-style: chr17-79496269-C-T.
Other names: c.712C>T, p.Leu238Phe (NM_001077182.3); short protein forms L238F.
Identifiers: ClinVar variation 1955407 (VCV001955407.5), dbSNP rs781855403, ClinGen allele CA8836759.